The following is an entry in ClinVar:

ClinVar aggregate classification (germline): Likely pathogenic (1 of 4 stars; one submission).

Conditions:
Long QT syndrome 1 (LQT1). Identifiers: Orphanet 101016, Orphanet 768, MedGen C4551647, MONDO:0100316, OMIM 192500, MONDO:0008646.

Submission:

Labcorp Genetics (formerly Invitae), Labcorp
Classification: Likely pathogenic for Long QT syndrome 1. Last evaluated: 2018-06-04. Review status: criteria provided, single submitter. Criteria: Invitae Variant Classification Sherloc (09022015). Collection method: clinical testing. Allele origin: germline.
Comment: In summary, the currently available evidence indicates that the variant is pathogenic, but additional data are needed to prove that conclusively. Therefore, this variant has been classified as Likely Pathogenic. Algorithms developed to predict the effect of missense changes on protein structure and function are either unavailable or do not agree on the potential impact of this missense change (SIFT: "Tolerated"; PolyPhen-2: "Possibly Damaging"; Align-GVGD: "Class C0"). This variant has been observed to be de novo in individuals affected with CALM2-related clinical features (Invitae). This variant is not present in population databases (ExAC no frequency). This sequence change replaces methionine with arginine at codon 145 of the CALM2 protein (p.Met145Arg). The methionine residue is moderately conserved and there is a moderate physicochemical difference between methionine and arginine.

NM_001743.6(CALM2):c.434T>G (p.Met145Arg)

Gene: CALM2 (calmodulin 2; minus strand). Cytogenetic location: 2p21.
Variant type: single nucleotide variant.
Coding change: c.434T>G on transcript NM_001743.6 (MANE Select); coding-DNA position 434, T replaced by G.
Protein change: p.Met145Arg; replaces methionine 145 with arginine.
Molecular consequence: missense variant.
Genome position (GRCh38, 1-based): chr2:47,160,792, A>C on the plus strand (T>G on the coding strand, the complement: CALM2 is on the minus strand). VCF-style: chr2-47160792-A-C. GRCh37 (hg19) VCF-style: chr2-47387931-A-C.
Other names: c.578T>G, p.Met193Arg (NM_001305624.1); c.326T>G, p.Met109Arg (NM_001305625.2, NM_001305626.1); short protein forms M109R, M145R, M193R.
Identifiers: ClinVar variation 576319 (VCV000576319.8), dbSNP rs1558693760, ClinGen allele CA346718873.